The following is an entry in ClinVar:

ClinVar aggregate classification (germline): Likely benign. Review status: criteria provided, multiple submitters, no conflicts (2 of 4 stars). 3 submissions from 3 submitters: Likely benign (2). 1 of the submissions does not count toward it. Last evaluated 2026-01-13.

Conditions:
CAVIN1-related disorder. Also called: CAVIN1-related condition.

Allele frequency attached by ClinVar (database versions not stated): ESP Exome Variant Server 0.00069; gnomAD 0.00052; TOPMed 0.00066; 1000 Genomes Project 0.00120; 1000 Genomes Project 30x 0.00141.
gnomAD v4.1: 230 of 1,614,048 alleles (0.014%); highest among the groups gnomAD compares: African/African-American, 0.18%; no homozygotes.

Submissions (3):

Labcorp Genetics (formerly Invitae), Labcorp
Classification: Likely benign. Last evaluated: 2026-01-13. Review status: criteria provided, single submitter. Criteria: Invitae Variant Classification Sherloc (09022015). Collection method: clinical testing. Allele origin: germline.

Athena Diagnostics
Classification: Likely benign. Last evaluated: 2025-07-17. Review status: criteria provided, single submitter. Criteria: Athena Diagnostics Criteria. Collection method: clinical testing. Allele origin: unknown.
Comment: The frequency of this variant in the general population is higher than would generally be expected for pathogenic variants in this gene.

PreventionGenetics, part of Exact Sciences
Classification: Likely benign for CAVIN1-related condition. Last evaluated: 2023-04-24. Review status: no assertion criteria provided. Collection method: clinical testing. Allele origin: germline. Not counted in ClinVar's aggregate classification.
Comment: This variant is classified as likely benign based on ACMG/AMP sequence variant interpretation guidelines (Richards et al. 2015 PMID: 25741868, with internal and published modifications).

NM_012232.6(CAVIN1):c.729G>C (p.Lys243Asn)

Gene: CAVIN1 (caveolae associated protein 1; minus strand). Cytogenetic location: 17q21.2.
Variant type: single nucleotide variant.
Coding change: c.729G>C on transcript NM_012232.6 (MANE Select); coding-DNA position 729, G replaced by C.
Protein change: p.Lys243Asn; replaces lysine 243 with asparagine.
Molecular consequence: missense variant.
Genome position (GRCh38, 1-based): chr17:42,405,131, C>G on the plus strand (G>C on the coding strand, the complement: CAVIN1 is on the minus strand). VCF-style: chr17-42405131-C-G. GRCh37 (hg19) VCF-style: chr17-40557149-C-G.
Other names: short protein forms K243N.
Identifiers: ClinVar variation 3046910 (VCV003046910.4), dbSNP rs150258613, ClinGen allele CA8575804.